The following is an entry in ClinVar:

ClinVar aggregate classification (germline): Likely benign (0 of 4 stars; one submission).

Conditions:
MTTP-related disorder. Also called: MTTP-related condition.

Allele frequency attached by ClinVar (database versions not stated): gnomAD exomes 0.00002; gnomAD 0.00012; TOPMed 0.00022.

Submission:

PreventionGenetics, part of Exact Sciences
Classification: Likely benign for MTTP-related condition. Last evaluated: 2019-09-13. Review status: no assertion criteria provided. Collection method: clinical testing. Allele origin: germline.
Comment: This variant is classified as likely benign based on ACMG/AMP sequence variant interpretation guidelines (Richards et al. 2015 PMID: 25741868, with internal and published modifications).

NM_001300785.2(MTTP):c.-189+3G>A

Genes: MTTP (microsomal triglyceride transfer protein; plus strand), LOC126807124 (BRD4-independent group 4 enhancer GRCh37_chr4:100484300-100485499; plus strand). Cytogenetic location: 4q23.
Variant type: single nucleotide variant.
Coding change: c.-189+3G>A on transcript NM_001300785.2; 3 bases into the intron after 189 bases upstream of the start codon, G replaced by A.
Molecular consequence: intron variant.
Genome position (GRCh38, 1-based): chr4:99,564,240, G>A. VCF-style: chr4-99564240-G-A. GRCh37 (hg19) VCF-style: chr4-100485397-G-A.
Other names: c.-102+3G>A (NM_000253.4).
Identifiers: ClinVar variation 3040642 (VCV003040642.2), dbSNP rs963459229, ClinGen allele CA102662012.
Genomic context (GRCh38, chr4:99,564,240, plus strand): 5'-TTTTCCCGTTCAAGAATTAAGTGTGTACCTGCAGACGTGTATTCATTCATATATTCTTGT[G>A]AGTATTGGATGAAGGAATTAAGATAGTCCCACTGTTAAAAATGCAAAACAACGAAGAAAG-3'